The following is an entry in ClinVar:

ClinVar aggregate classification (germline): Pathogenic (1 of 4 stars; one submission).

Submission:

Labcorp Genetics (formerly Invitae), Labcorp
Classification: Pathogenic. Last evaluated: 2021-08-23. Review status: criteria provided, single submitter. Criteria: Invitae Variant Classification Sherloc (09022015). Collection method: clinical testing. Allele origin: germline.
Comment: This variant is not present in population databases (ExAC no frequency). For these reasons, this variant has been classified as Pathogenic. This variant has not been reported in the literature in individuals affected with LCT-related conditions. This sequence change creates a premature translational stop signal (p.Asp704Alafs*60) in the LCT gene. It is expected to result in an absent or disrupted protein product. Loss-of-function variants in LCT are known to be pathogenic (PMID: 16400612, 25881162).

Literature cited by the submitters: PubMed 16400612; PubMed 25881162.

NM_002299.4(LCT):c.2110_2111insC (p.Asp704fs)

Gene: LCT (lactase; minus strand). Cytogenetic location: 2q21.3.
Variant type: Insertion.
Coding change: c.2110_2111insC on transcript NM_002299.4 (MANE Select); coding-DNA positions 2110 to 2111, C inserted.
Protein change: p.Asp704fs; shifts the reading frame from aspartic acid 704.
Molecular consequence: frameshift variant.
Genome position: GRCh38 VCF-style: chr2-135812553-T-TG. GRCh37 (hg19) VCF-style: chr2-136570123-T-TG.
Other names: short protein forms D704fs.
Identifiers: ClinVar variation 1451518 (VCV001451518.6), dbSNP rs2105537748, ClinGen allele CA2573133179.
Genomic context (GRCh38, chr2:135,812,553, plus strand): 5'-CAAGAGGATGAGGTCTGGGGCCACACATGGTTCACGTGTTGGGAGAAGCCTCCAATGGTA[T>TG]CATAGCTAGGGATGCAGGTGTTTTGTGGGGCGTTGCTGATGAGGCGGGAGGTGTAATGCG-3'